The following is an entry in ClinVar:

ClinVar aggregate classification (germline): Likely benign. Review status: criteria provided, multiple submitters, no conflicts (2 of 4 stars). 3 submissions from 3 submitters: Likely benign (3). Last evaluated 2025-01-21.

Conditions:
Marinesco-Sjögren syndrome (MSS). Also called: Marinesco-SjÃ¶gren syndrome; Marinesco-Sjogren Syndrome. Identifiers: Orphanet 559, MedGen C0024814, MONDO:0009567, OMIM 248800.

Allele frequency attached by ClinVar (database versions not stated): gnomAD 0.00001; TOPMed 0.00002; gnomAD exomes 0.00004; ExAC 0.00005.
gnomAD v4.1: 64 of 1,610,732 alleles (0.004%); highest among the groups gnomAD compares: East Asian, 0.0067%; no homozygotes.

Submissions (3):

Labcorp Genetics (formerly Invitae), Labcorp
Classification: Likely benign for Marinesco-Sjögren syndrome. Last evaluated: 2025-01-21. Review status: criteria provided, single submitter. Criteria: Invitae Variant Classification Sherloc (09022015). Collection method: clinical testing. Allele origin: germline.

CeGaT Center for Human Genetics Tuebingen
Classification: Likely benign. Last evaluated: 2023-07-01. Review status: criteria provided, single submitter. Criteria: CeGaT Center For Human Genetics Tuebingen Variant Classification Criteria Version 2. Collection method: clinical testing. Allele origin: germline. Affected: yes. Observed: 1 variant allele.
Comment: SIL1: BP4, BP7

GeneDx
Classification: Likely benign. Last evaluated: 2020-08-14. Review status: criteria provided, single submitter. Criteria: GeneDx Variant Classification Process June 2021. Collection method: clinical testing. Allele origin: germline. Affected: yes.

NM_022464.5(SIL1):c.69C>T (p.Ala23=)

Gene: SIL1 (SIL1 nucleotide exchange factor; minus strand). Cytogenetic location: 5q31.2.
Variant type: single nucleotide variant.
Coding change: c.69C>T on transcript NM_022464.5 (MANE Select); coding-DNA position 69, C replaced by T.
Protein change: p.Ala23=; no amino-acid change (alanine 23 retained).
Molecular consequence: synonymous variant.
Genome position (GRCh38, 1-based): chr5:139,127,775, G>A on the plus strand (C>T on the coding strand, the complement: SIL1 is on the minus strand). VCF-style: chr5-139127775-G-A. GRCh37 (hg19) VCF-style: chr5-138463464-G-A.
Other names: c.69C>T, p.Ala23= (NM_001037633.2).
Identifiers: ClinVar variation 384849 (VCV000384849.32), dbSNP rs756893810, ClinGen allele CA3432702.